The following is an entry in ClinVar:

NM_002202.3(ISL1):c.81G>A (p.Gln27=)

Gene: ISL1 (ISL LIM homeobox 1; plus strand). Cytogenetic location: 5q11.1.
Variant type: single nucleotide variant.
Coding change: c.81G>A on transcript NM_002202.3 (MANE Select); coding-DNA position 81, G replaced by A.
Protein change: p.Gln27=; no amino-acid change (glutamine 27 retained).
Molecular consequence: synonymous variant.
Genome position (GRCh38, 1-based): chr5:51,384,593, G>A. VCF-style: chr5-51384593-G-A. GRCh37 (hg19) VCF-style: chr5-50680427-G-A.
Identifiers: ClinVar variation 3349933 (VCV003349933.1).
Genomic context (GRCh38, chr5:51,384,593, plus strand): 5'-CATTTCAGAAAAACGTCTGATTTCCCTATGTGTTGGTTGCGGCAATCAGATTCACGATCA[G>A]TATATTCTGAGGGTTTCTCCGGATTTGGAATGGCATGCGGCATGTTTGAAATGTGCGGAG-3'
Protein context (NP_002193.2, residues 17-37): CVGCGNQIHD[Gln27=]YILRVSPDLE

ClinVar aggregate classification (germline): Likely benign (0 of 4 stars; one submission).

Conditions:
ISL1-related disorder. Also called: ISL1-related condition.

gnomAD v4.1: 4 of 1,614,118 alleles (0.00025%); highest among the groups gnomAD compares: Non-Finnish European, 0.00034%; no homozygotes.

Submission:

PreventionGenetics, part of Exact Sciences
Classification: Likely benign for ISL1-related condition. Last evaluated: 2024-01-17. Review status: no assertion criteria provided. Collection method: clinical testing. Allele origin: germline.
Comment: This variant is classified as likely benign based on ACMG/AMP sequence variant interpretation guidelines (Richards et al. 2015 PMID: 25741868, with internal and published modifications).